The following is an entry in ClinVar:

NM_001378454.1(ALMS1):c.2476C>A (p.Leu826Met)

Gene: ALMS1 (ALMS1 centrosome and basal body associated protein; plus strand). Cytogenetic location: 2p13.1.
Variant type: single nucleotide variant.
Coding change: c.2476C>A on transcript NM_001378454.1 (MANE Select); coding-DNA position 2476, C replaced by A.
Protein change: p.Leu826Met; replaces leucine 826 with methionine.
Molecular consequence: missense variant.
Genome position (GRCh38, 1-based): chr2:73,449,003, C>A. VCF-style: chr2-73449003-C-A. GRCh37 (hg19) VCF-style: chr2-73676130-C-A.
Other names: c.2479C>A, p.Leu827Met (NM_015120.4); short protein forms L827M, L826M.
Identifiers: ClinVar variation 1438350 (VCV001438350.6), dbSNP rs2103775303, ClinGen allele CA347270230.

ClinVar aggregate classification (germline): Uncertain significance (1 of 4 stars; one submission).

Conditions:
Alstrom syndrome (ALMS). Identifiers: Orphanet 64, MedGen C0268425, MONDO:0008763, OMIM 203800.

Submission:

Labcorp Genetics (formerly Invitae), Labcorp
Classification: Uncertain significance for Alstrom syndrome. Last evaluated: 2021-10-17. Review status: criteria provided, single submitter. Criteria: Invitae Variant Classification Sherloc (09022015). Collection method: clinical testing. Allele origin: germline.
Comment: This sequence change replaces leucine with methionine at codon 827 of the ALMS1 protein (p.Leu827Met). The leucine residue is weakly conserved and there is a small physicochemical difference between leucine and methionine. This variant is not present in population databases (ExAC no frequency). This variant has not been reported in the literature in individuals affected with ALMS1-related conditions. Experimental studies and prediction algorithms are not available or were not evaluated, and the functional significance of this variant is currently unknown. In summary, the available evidence is currently insufficient to determine the role of this variant in disease. Therefore, it has been classified as a Variant of Uncertain Significance.